The following is an entry in ClinVar:

NM_001035.3(RYR2):c.8A>T (p.Asp3Val)

Gene: RYR2 (ryanodine receptor 2; plus strand). Cytogenetic location: 1q43.
Variant type: single nucleotide variant.
Coding change: c.8A>T on transcript NM_001035.3 (MANE Select); coding-DNA position 8, A replaced by T.
Protein change: p.Asp3Val; replaces aspartic acid 3 with valine.
Molecular consequence: missense variant.
Genome position (GRCh38, 1-based): chr1:237,042,529, A>T. VCF-style: chr1-237042529-A-T. GRCh37 (hg19) VCF-style: chr1-237205829-A-T.
Other names: short protein forms D3V.
Identifiers: ClinVar variation 3071128 (VCV003071128.1), dbSNP rs2527003162, ClinGen allele CA345654153.

ClinVar aggregate classification (germline): Uncertain significance (1 of 4 stars; one submission).

Conditions:
Catecholaminergic polymorphic ventricular tachycardia (CVPT). Also called: Catecholamine-induced polymorphic ventricular tachycardia. Identifiers: Orphanet 3286, MedGen C5574922, MONDO:0017990.

Submission:

All of Us Research Program, National Institutes of Health
Classification: Uncertain significance for Catecholaminergic polymorphic ventricular tachycardia. Last evaluated: 2023-05-16. Review status: criteria provided, single submitter. Criteria: ACMG Guidelines, 2015. Collection method: clinical testing. Allele origin: germline. Inheritance: Autosomal dominant inheritance. Observed: 1 variant allele, 1 heterozygote.
Comment: This missense variant replaces aspartic acid with valine at codon 3 of the RYR2 protein. Computational prediction suggests that this variant may not impact protein structure and function (internally defined REVEL score threshold <= 0.5, PMID: 27666373). To our knowledge, functional studies have not been reported for this variant. This variant has not been reported in individuals affected with RYR2-related disorders in the literature. This variant has not been identified in the general population by the Genome Aggregation Database (gnomAD). The available evidence is insufficient to determine the role of this variant in disease conclusively. Therefore, this variant is classified as a Variant of Uncertain Significance.

This study involves interpretation of variants in research participants for the purpose of population health screening. Participant phenotype was not available at the time of variant classification. Additional details can be found in publication PMID: 35346344, PMCID: PMC8962531